The following is an entry in ClinVar:

NM_002691.4(POLD1):c.1536C>T (p.Cys512=)

Gene: POLD1 (DNA polymerase delta 1, catalytic subunit; plus strand). Cytogenetic location: 19q13.33.
Variant type: single nucleotide variant.
Coding change: c.1536C>T on transcript NM_002691.4 (MANE Select); coding-DNA position 1536, C replaced by T.
Protein change: p.Cys512=; no amino-acid change (cysteine 512 retained).
Molecular consequence: synonymous variant. On other transcripts: non-coding transcript variant (1).
Genome position (GRCh38, 1-based): chr19:50,407,024, C>T. VCF-style: chr19-50407024-C-T. GRCh37 (hg19) VCF-style: chr19-50910281-C-T.
Other names: c.1536C>T, p.Cys512= (NM_001256849.1, NM_001308632.1).
Identifiers: ClinVar variation 382779 (VCV000382779.15), dbSNP rs373380580, ClinGen allele CA16608337.

ClinVar aggregate classification (germline): Likely benign. Review status: criteria provided, multiple submitters, no conflicts (2 of 4 stars). 4 submissions from 4 submitters: Likely benign (4). Last evaluated 2026-01-28.

Conditions:
Hereditary cancer-predisposing syndrome. Also called: Neoplastic Syndromes, Hereditary; Hereditary neoplastic syndrome; Hereditary Cancer Syndrome; Tumor predisposition. Identifiers: Orphanet 140162, MedGen C0027672, MeSH D009386, MONDO:0015356.
POLD1-related polyposis and colorectal cancer syndrome (CRCS10). Also called: Colorectal cancer, susceptibility to, 10; Colorectal cancer 10; COLORECTAL CANCER, SUSCEPTIBILITY TO, ON CHROMOSOME 19q. Identifiers: Orphanet 220460, MedGen C2675481, MONDO:0012953, OMIM 612591.
POLD1-related disorder. Also called: POLD1-related disorders; POLD1-related condition.

Allele frequency attached by ClinVar (database versions not stated): gnomAD exomes below 0.00001; gnomAD 0.00002; TOPMed 0.00002; ESP Exome Variant Server 0.00015.
gnomAD v4.1: 6 of 1,613,262 alleles (0.00037%); highest among the groups gnomAD compares: African/African-American, 0.0053%; no homozygotes.

Submissions (4):

PreventionGenetics, part of Exact Sciences
Classification: Likely benign for POLD1-related condition. Last evaluated: 2026-01-28. Review status: criteria provided, single submitter. Criteria: ACMG Guidelines, 2015. Collection method: clinical testing. Allele origin: germline.
Comment: This variant is classified as likely benign based on ACMG/AMP sequence variant interpretation guidelines (Richards et al. 2015 PMID: 25741868, with internal and published modifications).

Labcorp Genetics (formerly Invitae), Labcorp
Classification: Likely benign for POLD1-related polyposis and colorectal cancer syndrome. Last evaluated: 2025-08-11. Review status: criteria provided, single submitter. Criteria: Invitae Variant Classification Sherloc (09022015). Collection method: clinical testing. Allele origin: germline.

Ambry Genetics
Classification: Likely benign for Hereditary cancer-predisposing syndrome. Last evaluated: 2017-11-01. Review status: criteria provided, single submitter. Criteria: Ambry Variant Classification Scheme 2023. Collection method: clinical testing. Allele origin: germline.

GeneDx
Classification: Likely benign. Last evaluated: 2015-12-30. Review status: criteria provided, single submitter. Criteria: GeneDx Variant Classification (06012015). Collection method: clinical testing. Allele origin: germline. Affected: yes.
Comment: This variant is considered likely benign or benign based on one or more of the following criteria: it is a conservative change, it occurs at a poorly conserved position in the protein, it is predicted to be benign by multiple in silico algorithms, and/or has population frequency not consistent with disease.